The following is an entry in ClinVar:

NM_000530.8(MPZ):c.646-16_654dup

Gene: MPZ (myelin protein zero; minus strand). Cytogenetic location: 1q23.3.
Variant type: Duplication.
Coding change: c.646-16_654dup on transcript NM_000530.8 (MANE Select); 16 bases into the intron before coding-DNA position 646 through coding-DNA position 654, 25 bases duplicated (TGCGCCCCTCCCCCAGACGCCAGTG).
Molecular consequence: splice acceptor variant.
Genome position (GRCh38, 1-based): chr1:161,305,969-161,305,993, CACTGGCGTCTGGGGGAGGGGCGCA duplicated on the plus strand (TGCGCCCCTCCCCCAGACGCCAGTG on the coding strand, the reverse complement: MPZ is on the minus strand); duplicating any 25 consecutive bases within chr1:161,305,969-161,305,996 gives the same sequence; the c. name uses the placement nearest the transcript's 3' end. VCF-style (leftmost placement, unchanged base first): chr1-161305968-G-GCACTGGCGTCTGGGGGAGGGGCGCA. GRCh37 (hg19) VCF-style: chr1-161275758-G-GCACTGGCGTCTGGGGGAGGGGCGCA.
Other names: c.646-16_654dup (NM_001315491.2).
Identifiers: ClinVar variation 2033569 (VCV002033569.4), dbSNP rs2526233338, ClinGen allele CA2580061301.

ClinVar aggregate classification (germline): Uncertain significance (1 of 4 stars; one submission).

Conditions:
Charcot-Marie-Tooth disease, type I (CMT1). Also called: Charcot-Marie-Tooth, Type 1; Charcot-Marie-Tooth disease type 1. Identifiers: Orphanet 65753, MedGen C0751036, MONDO:0019011.

Submission:

Labcorp Genetics (formerly Invitae), Labcorp
Classification: Uncertain significance for Charcot-Marie-Tooth disease, type I. Last evaluated: 2022-10-01. Review status: criteria provided, single submitter. Criteria: Invitae Variant Classification Sherloc (09022015). Collection method: clinical testing. Allele origin: germline.
Comment: This variant is also known as p.Leu219Cysfs*24. This variant has not been reported in the literature in individuals affected with MPZ-related conditions. This variant is not present in population databases (gnomAD no frequency). This sequence change falls in intron 5 of the MPZ gene. It does not directly change the encoded amino acid sequence of the MPZ protein. Experimental studies and prediction algorithms are not available or were not evaluated, and the effect of this variant on mRNA splicing is currently unknown. In summary, the available evidence is currently insufficient to determine the role of this variant in disease. Therefore, it has been classified as a Variant of Uncertain Significance.